The following is an entry in ClinVar:

ClinVar aggregate classification (germline): Pathogenic (0 of 4 stars; one submission).

Conditions:
Neurodegeneration with brain iron accumulation 4 (NBIA4). Also called: MITOCHONDRIAL PROTEIN-ASSOCIATED NEURODEGENERATION. Identifiers: Orphanet 289560, MedGen C3280371, MONDO:0013674, OMIM 614298. Disease mechanism: loss of function.

Submission:

Gene Discovery Core-Manton Center, Boston Children's Hospital
Classification: Pathogenic for Neurodegeneration with brain iron accumulation 4. Last evaluated: 2020-02-14. Review status: no assertion criteria provided. Collection method: research. Allele origin: germline. Affected: yes.
Comment: This variant is interpreted as Pathogenic for Neurodegeneration with brain iron accumulation 4; Autosomal Recessive. PVS1- Null variant (frameshift) in a gene where LOF is a known mechanism of disease. PM2- Absent from controls (gnomad). PP3- Multiple lines of computational evidence support a deleterious effect on the gene or gene product (conservation, evolutionary, splicing impact, etc.)

NM_031448.6(C19orf12):c.182dup (p.Leu61fs)

Gene: C19orf12 (chromosome 19 open reading frame 12; minus strand). Cytogenetic location: 19q12.
Variant type: Duplication.
Coding change: c.182dup on transcript NM_031448.6 (MANE Select); coding-DNA position 182, one base duplicated (T; older notation c.182dupT).
Protein change: p.Leu61fs; shifts the reading frame from leucine 61.
Molecular consequence: frameshift variant. On other transcripts: 5 prime UTR variant (3).
Genome position (GRCh38, 1-based): chr19:29,702,956, A duplicated on the plus strand (T on the coding strand, the reverse complement: C19orf12 is on the minus strand); the first of 2 consecutive A bases (chr19:29,702,956-29,702,957); duplicating either gives the same sequence. VCF-style (leftmost placement, unchanged base first): chr19-29702955-T-TA. GRCh37 (hg19) VCF-style: chr19-30193862-T-TA.
Other names: c.182dup, p.Leu61fs (NM_001031726.4, NM_001256046.3, NM_001256047.2); c.-11dup (NM_001282929.1, NM_001282930.3, NM_001282931.3); short protein forms L61fs.
Identifiers: ClinVar variation 1188836 (VCV001188836.1), dbSNP rs2145623001, ClinGen allele CA2499225431.
Genomic context (GRCh38, chr19:29,702,955, plus strand): 5'-GGGCAGCTCCATTAGGATCTGAGGAACCGGCTTAAACTGTCCACTTGTCATCCAGGCACC[T>TA]AACAGCCCCCCGACAGCCCCCCCTAGAAAACATGGAATCGTTCAATTAGTGGGTCTTATT-3'